The following is an entry in ClinVar:

NM_002049.4(GATA1):c.752_754delinsTT (p.Ser251fs)

Gene: GATA1 (GATA binding protein 1; plus strand). Cytogenetic location: Xp11.23.
Variant type: Indel.
Coding change: c.752_754delinsTT on transcript NM_002049.4 (MANE Select); coding-DNA positions 752 to 754, GTA replaced by TT.
Protein change: p.Ser251fs; shifts the reading frame from serine 251.
Molecular consequence: frameshift variant.
Genome position (GRCh38, 1-based): chrX:48,793,179-48,793,181, GTA replaced by TT. VCF-style: chrX-48793179-GTA-TT. GRCh37 (hg19) VCF-style: chrX-48651586-GTA-TT.
Other names: short protein forms S251fs.
Identifiers: ClinVar variation 651940 (VCV000651940.6), dbSNP rs1602220695, ClinGen allele CA915951048.
Genomic context (GRCh38, chrX:48,793,179, plus strand): 5'-ACCCCCACTTCCACATCCCCAGGGCACTGATCTCACATCCTGTCGTCCCCTAGATTGTCA[GTA>TT]AACGGGCAGGTACTCAGTGCACCAACTGCCAGACGACCACCACGACACTGTGGCGGAGAA-3'

ClinVar aggregate classification (germline): Pathogenic (1 of 4 stars; one submission).

Conditions:
GATA binding protein 1 related thrombocytopenia with dyserythropoiesis. Also called: GATA1-Related X-Linked Cytopenia; GATA1-Related Cytopenia. Identifiers: MedGen C1845837, MONDO:0100089.
Diamond-Blackfan anemia. Also called: Blackfan Diamond syndrome; Aregenerative anemia chronic congenital; Red cell aplasia, pure hereditary; Congenital hypoplastic anemia; Aase syndrome. Identifiers: Orphanet 124, MedGen C1260899, MeSH D029503, MONDO:0015253, HP:0004810.

Submission:

Labcorp Genetics (formerly Invitae), Labcorp
Classification: Pathogenic for GATA binding protein 1 related thrombocytopenia with dyserythropoiesis; Diamond-Blackfan anemia. Last evaluated: 2025-01-15. Review status: criteria provided, single submitter. Criteria: Invitae Variant Classification Sherloc (09022015). Collection method: clinical testing. Allele origin: germline.
Comment: This sequence change creates a premature translational stop signal (p.Ser251Ilefs*41) in the GATA1 gene. While this is not anticipated to result in nonsense mediated decay, it is expected to disrupt the last 163 amino acid(s) of the GATA1 protein. This variant is not present in population databases (gnomAD no frequency). This variant has not been reported in the literature in individuals affected with GATA1-related conditions. Experimental studies and prediction algorithms are not available or were not evaluated, and the functional significance of this variant is currently unknown. This variant disrupts a region of the GATA1 protein in which other variant(s) (p.Thr263Met) have been determined to be pathogenic (PMID: 33611093). This suggests that this is a clinically significant region of the protein, and that variants that disrupt it are likely to be disease-causing. For these reasons, this variant has been classified as Pathogenic.

Literature cited by the submitters: PubMed 33611093.